The following is an entry in ClinVar:

ClinVar aggregate classification (germline): Conflicting classifications of pathogenicity. Review status: criteria provided, conflicting classifications (1 of 4 stars). 6 submissions from 6 submitters: Uncertain significance (3); Likely benign (3). Last evaluated 2025-08-27.

Conditions:
Netherton syndrome (NETH). Also called: NETHERTON DISEASE; ERYTHRODERMA, ICHTHYOSIFORM, WITH HYPOTRICHOSIS AND HYPER-IgE; COMEL-NETHERTON SYNDROME. Identifiers: Orphanet 634, MedGen C5574950, MONDO:0009735, OMIM 256500.
Ichthyosis linearis circumflexa. Identifiers: MedGen C0265962, MONDO:0043106, HP:0025810.

Submissions (6):

Center for Genomics, Ann and Robert H. Lurie Children's Hospital of Chicago
Classification: Likely benign for Netherton syndrome. Last evaluated: 2025-08-27. Review status: criteria provided, single submitter. Criteria: ACMG Guidelines, 2015. Collection method: clinical testing. Allele origin: germline.
Comment: BS2, possible BP3 for microsatellite

Blueprint Genetics
Classification: Likely benign. Last evaluated: 2024-09-02. Review status: criteria provided, single submitter. Criteria: ACMG Guidelines, 2015. Collection method: clinical testing. Allele origin: germline.

Labcorp Genetics (formerly Invitae), Labcorp
Classification: Uncertain significance for Ichthyosis linearis circumflexa. Last evaluated: 2024-01-15. Review status: criteria provided, single submitter. Criteria: Invitae Variant Classification Sherloc (09022015). Collection method: clinical testing. Allele origin: germline.
Comment: This variant, c.2512_2529del, results in the deletion of 6 amino acid(s) of the SPINK5 protein (p.Thr838_Asn843del), but otherwise preserves the integrity of the reading frame. This variant is present in population databases (rs554634510, gnomAD 0.06%), including at least one homozygous and/or hemizygous individual. This variant has not been reported in the literature in individuals affected with SPINK5-related conditions. ClinVar contains an entry for this variant (Variation ID: 593699). Experimental studies and prediction algorithms are not available or were not evaluated, and the functional significance of this variant is currently unknown. In summary, the available evidence is currently insufficient to determine the role of this variant in disease. Therefore, it has been classified as a Variant of Uncertain Significance.

CeGaT Center for Human Genetics Tuebingen
Classification: Likely benign. Last evaluated: 2024-01-01. Review status: criteria provided, single submitter. Criteria: CeGaT Center For Human Genetics Tuebingen Variant Classification Criteria Version 2. Collection method: clinical testing. Allele origin: germline. Affected: yes. Observed: 1 variant allele.
Comment: SPINK5: PM4, BS2

Eurofins Ntd Llc (ga)
Classification: Uncertain significance. Last evaluated: 2017-08-18. Review status: criteria provided, single submitter. Criteria: EGL Classification Definitions 2015. Collection method: clinical testing. Allele origin: germline. Observed: 1 variant allele, 1 heterozygote.

Breakthrough Genomics
Classification: Uncertain significance. Review status: criteria provided, single submitter. Criteria: ACMG Guidelines, 2015. Collection method: not provided. Allele origin: germline. Inheritance: Autosomal recessive inheritance. Affected: yes.

NM_006846.4(SPINK5):c.2494ACAGGAGAAAGGAGCAAT[1] (p.832TGERSN[1])

Gene: SPINK5 (serine peptidase inhibitor Kazal type 5; plus strand). Cytogenetic location: 5q32.
Variant type: Microsatellite.
Coding change: c.2494ACAGGAGAAAGGAGCAAT[1] on transcript NM_006846.4 (MANE Select); one copy of the 18-base unit ACAGGAGAAAGGAGCAAT starting at c.2494; the reference has two copies in a row; one copy, 18 bases deleted; also written c.2512_2529del.
Protein change: p.832TGERSN[1].
Molecular consequence: inframe deletion.
Genome position (GRCh38, 1-based): chr5:148,120,365-148,120,382, ACAGGAGAAAGGAGCAAT deleted; deleting any 18 consecutive bases within chr5:148,120,338-148,120,382 gives the same sequence; the position shown is the placement nearest the transcript's 3' end. VCF-style (leftmost placement, unchanged base first): chr5-148120337-CAGGAGCAATACAGGAGAA-C. GRCh37 (hg19) VCF-style: chr5-147499900-CAGGAGCAATACAGGAGAA-C.
Other names: c.2512_2529del (NM_006846.3); c.2494ACAGGAGAAAGGAGCAAT[1], p.832TGERSN[1] (NM_001127698.2, NM_001127699.2).
Identifiers: ClinVar variation 593699 (VCV000593699.37), dbSNP rs554634510, ClinGen allele CA3496008.
Genomic context (GRCh38, chr5:148,120,337, plus strand): 5'-TCATTGTTTTCCCCCCAGGGAAAGGGAAGCAGCTGAAAAAAAAAAGAAAGAGGATGAAGA[CAGGAGCAATACAGGAGAA>C]AGGAGCAATACAGGAGAAAGGAGCAATGACAAAGAGGTAATAGATGTTAGACACGCTAAT-3'